The following is an entry in ClinVar:

ClinVar aggregate classification (germline): Uncertain significance (1 of 4 stars; one submission).

Conditions:
Inborn genetic diseases. Identifiers: MedGen C0950123, MeSH D030342.

gnomAD v4.1: 1 of 1,613,338 alleles (0.000062%); highest among the groups gnomAD compares: South Asian, 0.0011%; no homozygotes.

Submission:

Ambry Genetics
Classification: Uncertain significance for Inborn genetic diseases. Last evaluated: 2026-03-09. Review status: criteria provided, single submitter. Criteria: Ambry Variant Classification Scheme 2023. Collection method: clinical testing. Allele origin: germline.
Comment: The p.G680V variant (also known as c.2039G>T), located in coding exon 13 of the ASXL1 gene, results from a G to T substitution at nucleotide position 2039. The glycine at codon 680 is replaced by valine, an amino acid with dissimilar properties. This amino acid position is conserved. In addition, this alteration is predicted to be tolerated by in silico analysis. Based on the available evidence, the clinical significance of this variant remains unclear.

NM_015338.6(ASXL1):c.2039G>T (p.Gly680Val)

Gene: ASXL1 (ASXL transcriptional regulator 1; plus strand). Cytogenetic location: 20q11.21.
Variant type: single nucleotide variant.
Coding change: c.2039G>T on transcript NM_015338.6 (MANE Select); coding-DNA position 2039, G replaced by T.
Protein change: p.Gly680Val; replaces glycine 680 with valine.
Molecular consequence: missense variant.
Genome position (GRCh38, 1-based): chr20:32,434,751, G>T. VCF-style: chr20-32434751-G-T. GRCh37 (hg19) VCF-style: chr20-31022554-G-T.
Other names: c.1856G>T, p.Gly619Val (NM_001363734.1); short protein forms G619V, G680V.
Identifiers: ClinVar variation 4827428 (VCV004827428.1).